The following is an entry in ClinVar:

ClinVar aggregate classification (germline): Likely benign. Review status: criteria provided, single submitter (1 of 4 stars). 2 submissions from 2 submitters: Likely benign (1). 1 of the submissions does not count toward it. Last evaluated 2026-03-27.

Conditions:
C2orf69-related disorder. Also called: C2orf69-related condition.

Allele frequency attached by ClinVar (database versions not stated): TOPMed 0.00024; gnomAD 0.00028; 1000 Genomes Project 30x 0.00031; 1000 Genomes Project 0.00040; gnomAD exomes 0.00045; ExAC 0.00061.
gnomAD v4.1: 694 of 1,613,128 alleles (0.043%); highest among the groups gnomAD compares: South Asian, 0.38%; 4 homozygotes.

Submissions (3):

Women's Health and Genetics/Laboratory Corporation of America, LabCorp
Classification: Likely benign. Last evaluated: 2026-03-27. Review status: criteria provided, single submitter. Criteria: LabCorp Variant Classification Summary - May 2015. Collection method: clinical testing. Allele origin: germline.
Comment: Variant summary: C2orf69 c.430A>T (p.Asn144Tyr) results in a non-conservative amino acid change in the encoded protein sequence. Algorithms developed to predict the effect of missense changes on protein structure and function are either unavailable or do not agree on the potential impact of this missense change. The variant allele was found at a frequency of 0.00043 in 1613128 control chromosomes, predominantly at a frequency of 0.0038 within the South Asian subpopulation in the gnomAD database, including 3 homozygotes. The observed variant frequency within South Asian control individuals in the gnomAD database exceeds the estimated maximal expected allele frequency for disease-causing variants in C2orf69, suggesting the variant is benign. To our knowledge, no occurrence of c.430A>T in individuals affected with C2orf69-related conditions and no experimental evidence demonstrating its impact on protein function have been reported. ClinVar contains an entry for this variant (Variation ID: 3042594). Based on the evidence outlined above, the variant was classified as likely benign.

PreventionGenetics, part of Exact Sciences
Classification: Likely benign for C2orf69-related condition. Last evaluated: 2022-04-01. Review status: no assertion criteria provided. Collection method: clinical testing. Allele origin: germline. Not counted in ClinVar's aggregate classification.
Comment: This variant is classified as likely benign based on ACMG/AMP sequence variant interpretation guidelines (Richards et al. 2015 PMID: 25741868, with internal and published modifications).

Dr. Peter K. Rogan Lab, Western University
No classification provided (evidence only). Condition: Clear cell carcinoma of kidney. Review status: no classification provided. Collection method: in vitro. Allele origin: not applicable. Functional consequence: retained intron. Not counted in ClinVar's aggregate classification.

NM_153689.6(C2orf69):c.430A>T (p.Asn144Tyr)

Gene: C2orf69 (chromosome 2 open reading frame 69; plus strand). Cytogenetic location: 2q33.1.
Variant type: single nucleotide variant.
Coding change: c.430A>T on transcript NM_153689.6 (MANE Select); coding-DNA position 430, A replaced by T.
Protein change: p.Asn144Tyr; replaces asparagine 144 with tyrosine.
Molecular consequence: missense variant.
Genome position (GRCh38, 1-based): chr2:199,925,158, A>T. VCF-style: chr2-199925158-A-T. GRCh37 (hg19) VCF-style: chr2-200789881-A-T.
Other names: NC_000002.11:g.200789881A>T; short protein forms N144Y.
Identifiers: ClinVar variation 3042594 (VCV003042594.4), dbSNP rs186306624, ClinGen allele CA2046318.